The following is an entry in ClinVar:

NM_004260.4(RECQL4):c.1013C>T (p.Pro338Leu)

Gene: RECQL4 (RecQ like helicase 4; minus strand). Cytogenetic location: 8q24.3.
Variant type: single nucleotide variant.
Coding change: c.1013C>T on transcript NM_004260.4 (MANE Select); coding-DNA position 1013, C replaced by T.
Protein change: p.Pro338Leu; replaces proline 338 with leucine.
Molecular consequence: missense variant.
Genome position (GRCh38, 1-based): chr8:144,516,106, G>A on the plus strand (C>T on the coding strand, the complement: RECQL4 is on the minus strand). VCF-style: chr8-144516106-G-A. GRCh37 (hg19) VCF-style: chr8-145741490-G-A.
Other names: short protein forms P338L.
Identifiers: ClinVar variation 459291 (VCV000459291.7), dbSNP rs1554902388, ClinGen allele CA372688310.

ClinVar aggregate classification (germline): Uncertain significance. Review status: criteria provided, multiple submitters, no conflicts (2 of 4 stars). 2 submissions from 2 submitters: Uncertain significance (2). Last evaluated 2025-10-31.

Conditions:
Inborn genetic diseases. Identifiers: MedGen C0950123, MeSH D030342.
Baller-Gerold syndrome (BGS). Also called: CRANIOSYNOSTOSIS WITH RADIAL DEFECTS. Identifiers: Orphanet 1225, MedGen C0265308, MONDO:0009039, OMIM 218600.

gnomAD v4.1: 2 of 1,612,874 alleles (0.00012%); highest among the groups gnomAD compares: South Asian, 0.0011%; no homozygotes.

Submissions (2):

Ambry Genetics
Classification: Uncertain significance for Inborn genetic diseases. Last evaluated: 2025-10-31. Review status: criteria provided, single submitter. Criteria: Ambry Variant Classification Scheme 2023. Collection method: clinical testing. Allele origin: germline.
Comment: The p.P338L variant (also known as c.1013C>T), located in coding exon 5 of the RECQL4 gene, results from a C to T substitution at nucleotide position 1013. The proline at codon 338 is replaced by leucine, an amino acid with similar properties. This amino acid position is conserved. In addition, this alteration is predicted to be tolerated by in silico analysis. Based on the available evidence, the clinical significance of this variant remains unclear.

Labcorp Genetics (formerly Invitae), Labcorp
Classification: Uncertain significance for Baller-Gerold syndrome. Last evaluated: 2019-10-15. Review status: criteria provided, single submitter. Criteria: Invitae Variant Classification Sherloc (09022015). Collection method: clinical testing. Allele origin: germline.
Comment: In summary, the available evidence is currently insufficient to determine the role of this variant in disease. Therefore, it has been classified as a Variant of Uncertain Significance. Algorithms developed to predict the effect of missense changes on protein structure and function (SIFT, PolyPhen-2, Align-GVGD) all suggest that this variant is likely to be tolerated, but these predictions have not been confirmed by published functional studies and their clinical significance is uncertain. This variant has not been reported in the literature in individuals with RECQL4-related conditions. ClinVar contains an entry for this variant (Variation ID: 459291). This variant is not present in population databases (ExAC no frequency). This sequence change replaces proline with leucine at codon 338 of the RECQL4 protein (p.Pro338Leu). The proline residue is weakly conserved and there is a moderate physicochemical difference between proline and leucine.